The following is an entry in ClinVar:

NM_000391.4(TPP1):c.918G>A (p.Gln306=)

Gene: TPP1 (tripeptidyl peptidase 1; minus strand). Cytogenetic location: 11p15.4.
Variant type: single nucleotide variant.
Coding change: c.918G>A on transcript NM_000391.4 (MANE Select); coding-DNA position 918, G replaced by A.
Protein change: p.Gln306=; no amino-acid change (glutamine 306 retained).
Molecular consequence: synonymous variant.
Genome position (GRCh38, 1-based): chr11:6,616,472, C>T on the plus strand (G>A on the coding strand, the complement: TPP1 is on the minus strand). VCF-style: chr11-6616472-C-T. GRCh37 (hg19) VCF-style: chr11-6637703-C-T.
Identifiers: ClinVar variation 708398 (VCV000708398.12), dbSNP rs943551240, ClinGen allele CA217322695.

ClinVar aggregate classification (germline): Likely benign. Review status: criteria provided, single submitter (1 of 4 stars). 2 submissions from 2 submitters: Likely benign (1). 1 of the submissions does not count toward it. Last evaluated 2025-08-13.

Conditions:
TPP1-related disorder. Also called: TPP1-related condition.

Allele frequency attached by ClinVar (database versions not stated): gnomAD exomes below 0.00001; TOPMed below 0.00001.
gnomAD v4.1: 2 of 1,610,564 alleles (0.00012%); highest among the groups gnomAD compares: Non-Finnish European, 0.00017%; no homozygotes.

Submissions (2):

Labcorp Genetics (formerly Invitae), Labcorp
Classification: Likely benign. Last evaluated: 2025-08-13. Review status: criteria provided, single submitter. Criteria: Invitae Variant Classification Sherloc (09022015). Collection method: clinical testing. Allele origin: germline.

PreventionGenetics, part of Exact Sciences
Classification: Likely benign for TPP1-related condition. Last evaluated: 2023-11-27. Review status: no assertion criteria provided. Collection method: clinical testing. Allele origin: germline. Not counted in ClinVar's aggregate classification.
Comment: This variant is classified as likely benign based on ACMG/AMP sequence variant interpretation guidelines (Richards et al. 2015 PMID: 25741868, with internal and published modifications).